The following is an entry in ClinVar:

NM_006254.4(PRKCD):c.315+34_315+35insGGTG

Gene: PRKCD (protein kinase C delta; plus strand). Cytogenetic location: 3p21.1.
Variant type: Insertion.
Coding change: c.315+34_315+35insGGTG on transcript NM_006254.4 (MANE Select); bases 34 to 35 of the intron after coding-DNA position 315, GGTG inserted.
Molecular consequence: intron variant.
Genome position: GRCh38 VCF-style: chr3-53179807-T-TGTGG. GRCh37 (hg19) VCF-style: chr3-53213823-T-TGTGG.
Other names: c.315+34_315+35insGGTG (NM_001354680.2, NM_001354679.2, NM_212539.2 and 1 more transcripts); c.372+34_372+35insGGTG (NM_001354676.2); c.363+34_363+35insGGTG (NM_001354678.2).
Identifiers: ClinVar variation 2628272 (VCV002628272.2), dbSNP rs2107257817, ClinGen allele CA2695197924.

ClinVar aggregate classification (germline): Benign (1 of 4 stars; one submission).

Submission:

Unidad de Genómica Garrahan, Hospital de Pediatría Garrahan
Classification: Benign. Last evaluated: 2023-11-12. Review status: criteria provided, single submitter. Criteria: ACMG Guidelines, 2015. Collection method: clinical testing. Allele origin: germline. Affected: no. Observed: 23 variant alleles.
Comment: This variant is classified as Benign based on local population frequency. This variant was detected in 24% of patients studied by a panel of primary immunodeficiencies. Number of patients: 23. Only high quality variants are reported.